The following is an entry in ClinVar:

NM_017952.6(PTCD3):c.36C>A (p.Leu12=)

Gene: PTCD3 (pentatricopeptide repeat domain 3; plus strand). Cytogenetic location: 2p11.2.
Variant type: single nucleotide variant.
Coding change: c.36C>A on transcript NM_017952.6 (MANE Select); coding-DNA position 36, C replaced by A.
Protein change: p.Leu12=; no amino-acid change (leucine 12 retained).
Molecular consequence: synonymous variant.
Genome position (GRCh38, 1-based): chr2:86,106,283, C>A. VCF-style: chr2-86106283-C-A. GRCh37 (hg19) VCF-style: chr2-86333406-C-A.
Identifiers: ClinVar variation 4872509 (VCV004872509.2).

ClinVar aggregate classification (germline): Likely benign (1 of 4 stars; one submission).

gnomAD v4.1: 7 of 1,613,626 alleles (0.00043%); highest among the groups gnomAD compares: Admixed American, 0.0067%; no homozygotes.

Submission:

CeGaT Center for Human Genetics Tuebingen
Classification: Likely benign. Last evaluated: 2026-05-01. Review status: criteria provided, single submitter. Criteria: CeGaT Center For Human Genetics Tuebingen Variant Classification Criteria Version 2. Collection method: clinical testing. Allele origin: germline. Affected: yes. Observed: 1 variant allele.
Comment: PTCD3: BP4, BP7